The following is an entry in ClinVar:

ClinVar aggregate classification (germline): Uncertain significance (1 of 4 stars; one submission).

Conditions:
RASopathy. Also called: rasopathies; Noonan spectrum disorder. Identifiers: Orphanet 536391, MedGen C5555857, MONDO:0021060.

Submission:

Labcorp Genetics (formerly Invitae), Labcorp
Classification: Uncertain significance for RASopathy. Last evaluated: 2023-01-24. Review status: criteria provided, single submitter. Criteria: Invitae Variant Classification Sherloc (09022015). Collection method: clinical testing. Allele origin: germline.
Comment: This sequence change replaces leucine, which is neutral and non-polar, with serine, which is neutral and polar, at codon 69 of the CBL protein (p.Leu69Ser). This variant is not present in population databases (gnomAD no frequency). This variant has not been reported in the literature in individuals affected with CBL-related conditions. Advanced modeling of protein sequence and biophysical properties (such as structural, functional, and spatial information, amino acid conservation, physicochemical variation, residue mobility, and thermodynamic stability) has been performed at Invitae for this missense variant, however the output from this modeling did not meet the statistical confidence thresholds required to predict the impact of this variant on CBL protein function. In summary, the available evidence is currently insufficient to determine the role of this variant in disease. Therefore, it has been classified as a Variant of Uncertain Significance.

NM_005188.4(CBL):c.206T>C (p.Leu69Ser)

Gene: CBL (Cbl proto-oncogene; plus strand). Cytogenetic location: 11q23.3.
Variant type: single nucleotide variant.
Coding change: c.206T>C on transcript NM_005188.4 (MANE Select); coding-DNA position 206, T replaced by C.
Protein change: p.Leu69Ser; replaces leucine 69 with serine.
Molecular consequence: missense variant.
Genome position (GRCh38, 1-based): chr11:119,232,458, T>C. VCF-style: chr11-119232458-T-C. GRCh37 (hg19) VCF-style: chr11-119103168-T-C.
Other names: short protein forms L69S.
Identifiers: ClinVar variation 2801651 (VCV002801651.3), dbSNP rs2496865639, ClinGen allele CA382894021.
Genomic context (GRCh38, chr11:119,232,458, plus strand): 5'-CTGTCCTTAAAATTCTCCAAGTAATAGCCCTTCTTTTTCATTTGTTGCAGGTGGTGCGGT[T>C]GTGTCAGAACCCAAAGCTGGCGCTAAAGAATAGCCCACCTTATATCTTAGACCTGCTACC-3'
Protein context (NP_005179.2, residues 59-79): CWKLMDKVVR[Leu69Ser]CQNPKLALKN